The following is an entry in ClinVar:

ClinVar aggregate classification (germline): Likely pathogenic (1 of 4 stars; one submission).

Conditions:
FAT1-related disorder. Also called: FAT1-related condition.

Submission:

3billion
Classification: Likely pathogenic for FAT1 related disorder. Last evaluated: 2022-01-03. Review status: criteria provided, single submitter. Criteria: ACMG Guidelines, 2015. Collection method: clinical testing. Allele origin: germline. Affected: yes. Observed: 1 heterozygote.
Comment: Stop-gained (nonsense): predicted to result in a loss or disruption of normal protein function through nonsense-mediated decay (NMD) or protein truncation. Multiple pathogenic variants are reported downstream of the variant (PVS1_VS). It is not observed in the gnomAD v2.1.1 dataset (PM2_M). Therefore, this variant is classified as likely pathogenic according to the recommendation of ACMG/AMP guideline.

NM_005245.4(FAT1):c.4552G>T (p.Glu1518Ter)

Gene: FAT1 (FAT atypical cadherin 1; minus strand). Cytogenetic location: 4q35.2.
Variant type: single nucleotide variant.
Coding change: c.4552G>T on transcript NM_005245.4 (MANE Select); coding-DNA position 4552, G replaced by T.
Protein change: p.Glu1518Ter; replaces glutamic acid 1518 with a stop codon.
Molecular consequence: nonsense.
Genome position (GRCh38, 1-based): chr4:186,628,535, C>A on the plus strand (G>T on the coding strand, the complement: FAT1 is on the minus strand). VCF-style: chr4-186628535-C-A. GRCh37 (hg19) VCF-style: chr4-187549689-C-A.
Other names: short protein forms E1518*.
Identifiers: ClinVar variation 1333197 (VCV001333197.1), dbSNP rs2126544181, ClinGen allele CA358980166.